The following is an entry in ClinVar:

NM_000020.3(ACVRL1):c.1012G>T (p.Val338Phe)

Gene: ACVRL1 (activin A receptor like type 1; plus strand). Cytogenetic location: 12q13.13.
Variant type: single nucleotide variant.
Coding change: c.1012G>T on transcript NM_000020.3 (MANE Select); coding-DNA position 1012, G replaced by T.
Protein change: p.Val338Phe; replaces valine 338 with phenylalanine.
Molecular consequence: missense variant.
Genome position (GRCh38, 1-based): chr12:51,915,464, G>T. VCF-style: chr12-51915464-G-T. GRCh37 (hg19) VCF-style: chr12-52309248-G-T.
Other names: c.1012G>T, p.Val338Phe (NM_001077401.2, NM_001406487.1, NM_001406488.1 and 1 more transcripts); c.700G>T, p.Val234Phe (NM_001406490.1, NM_001406491.1, NM_001406492.1 and 2 more transcripts); c.448G>T, p.Val150Phe (NM_001406495.1); short protein forms V234F, V338F, V150F.
Identifiers: ClinVar variation 1734682 (VCV001734682.2), dbSNP rs2540164872, ClinGen allele CA384901639.

ClinVar aggregate classification (germline): Likely pathogenic (1 of 4 stars; one submission).

Conditions:
Cardiovascular phenotype. Identifiers: MedGen CN230736.

Submission:

Ambry Genetics
Classification: Likely pathogenic for Cardiovascular phenotype. Last evaluated: 2016-04-12. Review status: criteria provided, single submitter. Criteria: Ambry Variant Classification Scheme 2023. Collection method: clinical testing. Allele origin: germline.
Comment: The p.V338F variant (also known as c.1012G>T), located in coding exon 6 of the ACVRL1 gene, results from a G to T substitution at nucleotide position 1012. The valine at codon 338 is replaced by phenylalanine, an amino acid with highly similar properties. A novel missense alteration at the same codon (p.V338D) was reported in an individual with a clinical diagnosis of HHT. The alteration co-segregated with disease in this proband and two affected children (T&oslash;rring PM, et al. Clin. Genet. 2014 Aug; 86(2):123-33). The p.V338F variant was not reported in population based cohorts in the following databases: Database of Single Nucleotide Polymorphisms (dbSNP), NHLBI Exome Sequencing Project (ESP), and 1000 Genomes Project. In the ESP, this variant was not observed in 6503 samples (13006 alleles) with coverage at this position. This amino acid position is highly conserved in available vertebrate species. In addition, this alteration is predicted to be deleterious by in silico analysis. Based on internal structural analysis, this variant is located in a catalytic loop of the C-terminal kinase domain next to an ATP binding crevice, and is likely to result in perturbation of function (Ricard N, et al. Blood. 2010 Sep; 116(9):1604-12; Kerr G, et al. Angiogenesis. 2015 Apr; 18(2):209-17). Based on the majority of available evidence to date, p.V338F is likely to be pathogenic.

Literature cited by the submitters: PubMed 20501893; PubMed 24001356; PubMed 25557927.